The following is an entry in ClinVar:

ClinVar aggregate classification (germline): Benign (1 of 4 stars; one submission).

Conditions:
Agenesis of the corpus callosum with peripheral neuropathy (ACCPN). Also called: CHARLEVOIX DISEASE; POLYNEUROPATHY, SENSORIMOTOR, WITH OR WITHOUT AGENESIS OF THE CORPUS CALLOSUM; HMSN/ACC; Hereditary Motor and Sensory Neuropathy with Agenesis of the Corpus Callosum. Identifiers: Orphanet 1496, MedGen C0795950, MONDO:0000902, OMIM 218000. Disease mechanism: loss of function.

Allele frequency attached by ClinVar (database versions not stated): 1000 Genomes Project 30x 0.58354; 1000 Genomes Project 0.58606; TOPMed 0.60478; gnomAD 0.61133 and 0.61434; gnomAD exomes 0.73545.
gnomAD v4.1: 93,514 of 152,052 alleles (62%); highest among the groups gnomAD compares: East Asian, 73%; 29,697 homozygotes.

Submission:

Illumina Laboratory Services, Illumina
Classification: Benign for Agenesis of the corpus callosum with peripheral neuropathy. Last evaluated: 2018-01-13. Review status: criteria provided, single submitter. Criteria: ICSL Variant Classification Criteria 13 December 2019. Collection method: clinical testing. Allele origin: germline.
Comment: This variant was observed in the ICSL laboratory as part of a predisposition screen in an ostensibly healthy population. It had not been previously curated by ICSL or reported in the Human Gene Mutation Database (HGMD: prior to June 1st, 2018), and was therefore a candidate for classification through an automated scoring system. Utilizing variant allele frequency, disease prevalence and penetrance estimates, and inheritance mode, an automated score was calculated to assess if this variant is too frequent to cause the disease. Based on the score and internal cut-off values, a variant classified as benign is not then subjected to further curation. The score for this variant resulted in a classification of benign for this disease.

NM_001365088.1(SLC12A6):c.*1047A>G

Gene: SLC12A6 (solute carrier family 12 member 6; minus strand). Cytogenetic location: 15q14.
Variant type: single nucleotide variant.
Coding change: c.*1047A>G on transcript NM_001365088.1 (MANE Select); 1047 bases downstream of the stop codon, A replaced by G.
Molecular consequence: 3 prime UTR variant.
Genome position (GRCh38, 1-based): chr15:34,232,834, T>C on the plus strand (A>G on the coding strand, the complement: SLC12A6 is on the minus strand). VCF-style: chr15-34232834-T-C. GRCh37 (hg19) VCF-style: chr15-34525035-T-C.
Other names: c.*1047A>G (NM_001042494.2, NM_001042495.2, NM_001042496.2 and 3 more transcripts).
Identifiers: ClinVar variation 315596 (VCV000315596.5), dbSNP rs4780233, ClinGen allele CA10641589.